The following is an entry in ClinVar:

NM_001128225.3(SLC39A13):c.129G>A (p.Ala43=)

Gene: SLC39A13 (solute carrier family 39 member 13; plus strand). Cytogenetic location: 11p11.2.
Variant type: single nucleotide variant.
Coding change: c.129G>A on transcript NM_001128225.3 (MANE Select); coding-DNA position 129, G replaced by A.
Protein change: p.Ala43=; no amino-acid change (alanine 43 retained).
Molecular consequence: synonymous variant. On other transcripts: non-coding transcript variant (1).
Genome position (GRCh38, 1-based): chr11:47,410,223, G>A. VCF-style: chr11-47410223-G-A. GRCh37 (hg19) VCF-style: chr11-47431774-G-A.
Other names: c.129G>A, p.Ala43= (NM_001330245.2, NM_152264.5); c.129G>A (NM_152264.4).
Identifiers: ClinVar variation 2203510 (VCV002203510.6), dbSNP rs765595275, ClinGen allele CA5975672.
Genomic context (GRCh38, chr11:47,410,223, plus strand): 5'-CCTGGAGCTCTTGGAAAGGGCTGGGGGTTCCCAGCCGGCCCTCCGGAGCCGGGGGACTGC[G>A]ACGGCCTGTCGCCTGGACAACAAGGAAAGCGAGTCCTGGGGGGCTCTGCTGAGCGGAGAG-3'
Protein context (NP_001121697.2, residues 33-53): SQPALRSRGT[Ala43=]TACRLDNKES

ClinVar aggregate classification (germline): Likely benign. Review status: criteria provided, single submitter (1 of 4 stars). 2 submissions from 2 submitters: Likely benign (1). 1 of the submissions does not count toward it. Last evaluated 2024-07-03.

Conditions:
Ehlers-Danlos syndrome, spondylodysplastic type, 3. Also called: Ehlers-Danlos syndrome, spondylocheirodysplastic type. Identifiers: Orphanet 157965, MedGen C2676510, MONDO:0012873, OMIM 612350.
SLC39A13-related disorder. Also called: SLC39A13-related condition.

Allele frequency attached by ClinVar (database versions not stated): ExAC 0.00002; TOPMed 0.00002; gnomAD 0.00003; gnomAD exomes 0.00003.

Submissions (2):

Labcorp Genetics (formerly Invitae), Labcorp
Classification: Likely benign for Ehlers-Danlos syndrome, spondylodysplastic type, 3. Last evaluated: 2024-07-03. Review status: criteria provided, single submitter. Criteria: Invitae Variant Classification Sherloc (09022015). Collection method: clinical testing. Allele origin: germline.

PreventionGenetics, part of Exact Sciences
Classification: Likely benign for SLC39A13-related condition. Last evaluated: 2019-08-27. Review status: no assertion criteria provided. Collection method: clinical testing. Allele origin: germline. Not counted in ClinVar's aggregate classification.
Comment: This variant is classified as likely benign based on ACMG/AMP sequence variant interpretation guidelines (Richards et al. 2015 PMID: 25741868, with internal and published modifications).